The following is an entry in ClinVar:

NM_020822.3(KCNT1):c.3299C>T (p.Ala1100Val)

Gene: KCNT1 (potassium sodium-activated channel subfamily T member 1; plus strand). Cytogenetic location: 9q34.3.
Variant type: single nucleotide variant.
Coding change: c.3299C>T on transcript NM_020822.3 (MANE Select); coding-DNA position 3299, C replaced by T.
Protein change: p.Ala1100Val; replaces alanine 1100 with valine.
Molecular consequence: missense variant.
Genome position (GRCh38, 1-based): chr9:135,786,318, C>T. VCF-style: chr9-135786318-C-T. GRCh37 (hg19) VCF-style: chr9-138678164-C-T.
Other names: c.3299C>T (NM_020822.2); c.3164C>T, p.Ala1055Val (NM_001272003.2); short protein forms A1055V, A1100V.
Identifiers: ClinVar variation 2046701 (VCV002046701.5), dbSNP rs1834044297, ClinGen allele CA375491677.

ClinVar aggregate classification (germline): Conflicting classifications of pathogenicity. Review status: criteria provided, conflicting classifications (1 of 4 stars). 2 submissions from 2 submitters: Uncertain significance (1); Likely benign (1). Last evaluated 2026-01-26.

Conditions:
Developmental and epileptic encephalopathy, 14 (DEE14). Also called: Early infantile epileptic encephalopathy 14. Identifiers: Orphanet 293181, MedGen C3554195, MONDO:0013989, OMIM 614959.
Autosomal dominant nocturnal frontal lobe epilepsy 5. Also called: Epilepsy, nocturnal frontal lobe, 5; CILIARY DYSKINESIA, PRIMARY, 28, WITH SITUS INVERSUS; CILIARY DYSKINESIA, PRIMARY, 28, WITHOUT SITUS INVERSUS; KCNT1-Related Epilepsy. Identifiers: Orphanet 98784, MedGen C3554306, MONDO:0014002, OMIM 615005.
Inborn genetic diseases. Identifiers: MedGen C0950123, MeSH D030342.

Allele frequency attached by ClinVar (database versions not stated): gnomAD exomes below 0.00001; gnomAD 0.00001.

Submissions (2):

Labcorp Genetics (formerly Invitae), Labcorp
Classification: Uncertain significance for Autosomal dominant nocturnal frontal lobe epilepsy 5; Developmental and epileptic encephalopathy, 14. Last evaluated: 2026-01-26. Review status: criteria provided, single submitter. Criteria: Invitae Variant Classification Sherloc (09022015). Collection method: clinical testing. Allele origin: germline.
Comment: This sequence change replaces alanine, which is neutral and non-polar, with valine, which is neutral and non-polar, at codon 1100 of the KCNT1 protein (p.Ala1100Val). This variant is not present in population databases (gnomAD no frequency). This variant has not been reported in the literature in individuals affected with KCNT1-related conditions. ClinVar contains an entry for this variant (Variation ID: 2046701). Invitae Evidence Modeling of protein sequence and biophysical properties (such as structural, functional, and spatial information, amino acid conservation, physicochemical variation, residue mobility, and thermodynamic stability) indicates that this missense variant is not expected to disrupt KCNT1 protein function with a negative predictive value of 80%. In summary, the available evidence is currently insufficient to determine the role of this variant in disease. Therefore, it has been classified as a Variant of Uncertain Significance.

Ambry Genetics
Classification: Likely benign for Inborn genetic diseases. Last evaluated: 2025-07-10. Review status: criteria provided, single submitter. Criteria: Ambry Variant Classification Scheme 2023. Collection method: clinical testing. Allele origin: germline.